The following is an entry in ClinVar:

ClinVar aggregate classification (germline): Benign/Likely benign. Review status: criteria provided, multiple submitters, no conflicts (2 of 4 stars). 2 submissions from 2 submitters: Benign (1); Likely benign (1). Last evaluated 2025-02-27.

Conditions:
Hereditary cancer-predisposing syndrome. Also called: Hereditary Cancer Syndrome; Hereditary neoplastic syndrome; Tumor predisposition; Neoplastic Syndromes, Hereditary. Identifiers: Orphanet 140162, MedGen C0027672, MeSH D009386, MONDO:0015356.
Multiple endocrine neoplasia type 2A. Also called: MULTIPLE ENDOCRINE NEOPLASIA, TYPE IIA; PTC SYNDROME; SIPPLE SYNDROME; MEN 2A; MEN-2A syndrome; Pheochromocytoma and amyloid producing medullary thyroid carcinoma. Identifiers: Orphanet 247698, Orphanet 653, MedGen C0025268, MeSH D018813, MONDO:0008234, OMIM 171400.

gnomAD v4.1: 1 of 1,601,406 alleles (0.000062%); highest among the groups gnomAD compares: Non-Finnish European, 0.000085%; no homozygotes.

Submissions (2):

Myriad Genetics, Inc.
Classification: Benign for Multiple endocrine neoplasia type 2A. Last evaluated: 2025-02-27. Review status: criteria provided, single submitter. Criteria: Myriad Autosomal Dominant, Autosomal Recessive and X-Linked Classification Criteria (2023). Collection method: clinical testing. Allele origin: unknown.
Comment: This variant is considered benign. This variant is a silent/synonymous amino acid change and it is not expected to impact splicing.

Ambry Genetics
Classification: Likely benign for Hereditary cancer-predisposing syndrome. Last evaluated: 2019-12-07. Review status: criteria provided, single submitter. Criteria: Ambry Variant Classification Scheme 2023. Collection method: clinical testing. Allele origin: germline.

NM_020975.6(RET):c.2400C>T (p.Leu800=)

Gene: RET (ret proto-oncogene; plus strand). Cytogenetic location: 10q11.21.
Variant type: single nucleotide variant.
Coding change: c.2400C>T on transcript NM_020975.6 (MANE Select); coding-DNA position 2400, C replaced by T.
Protein change: p.Leu800=; no amino-acid change (leucine 800 retained).
Molecular consequence: synonymous variant.
Genome position (GRCh38, 1-based): chr10:43,119,538, C>T. VCF-style: chr10-43119538-C-T. GRCh37 (hg19) VCF-style: chr10-43614986-C-T.
Other names: c.2400C>T, p.Leu800= (NM_000323.2, NM_001406743.1, NM_001406744.1 and 4 more transcripts); c.1638C>T, p.Leu546= (NM_001355216.2); c.2271C>T, p.Leu757= (NM_001406761.1, NM_001406762.1, NM_001406764.1); c.2265C>T, p.Leu755= (NM_001406763.1, NM_001406765.1); c.2112C>T, p.Leu704= (NM_001406766.1, NM_001406767.1, NM_001406770.1); c.2136C>T, p.Leu712= (NM_001406768.1); c.2004C>T, p.Leu668= (NM_001406769.1, NM_001406772.1); c.1962C>T, p.Leu654= (NM_001406771.1, NM_001406773.1); and 10 more.
Identifiers: ClinVar variation 1790735 (VCV001790735.3), dbSNP rs1230298635, ClinGen allele CA469479701.